The following is an entry in ClinVar:

ClinVar aggregate classification (germline): Uncertain significance (1 of 4 stars; one submission).

Conditions:
Autosomal recessive severe congenital neutropenia due to CSF3R deficiency. Also called: Neutropenia, severe congenital, 7, autosomal recessive. Identifiers: Orphanet 420702, MedGen C4310764, MONDO:0014865, OMIM 617014.

Submission:

Labcorp Genetics (formerly Invitae), Labcorp
Classification: Uncertain significance for Autosomal recessive severe congenital neutropenia due to CSF3R deficiency. Last evaluated: 2025-03-27. Review status: criteria provided, single submitter. Criteria: Invitae Variant Classification Sherloc (09022015). Collection method: clinical testing. Allele origin: germline.
Comment: This sequence change replaces lysine, which is basic and polar, with glutamine, which is neutral and polar, at codon 180 of the CSF3R protein (p.Lys180Gln). This variant is not present in population databases (gnomAD no frequency). This variant has not been reported in the literature in individuals affected with CSF3R-related conditions. ClinVar contains an entry for this variant (Variation ID: 967455). An algorithm developed to predict the effect of missense changes on protein structure and function (PolyPhen-2) suggests that this variant is likely to be tolerated. In summary, the available evidence is currently insufficient to determine the role of this variant in disease. Therefore, it has been classified as a Variant of Uncertain Significance.

NM_000760.4(CSF3R):c.538A>C (p.Lys180Gln)

Gene: CSF3R (colony stimulating factor 3 receptor; minus strand). Cytogenetic location: 1p34.3.
Variant type: single nucleotide variant.
Coding change: c.538A>C on transcript NM_000760.4 (MANE Select); coding-DNA position 538, A replaced by C.
Protein change: p.Lys180Gln; replaces lysine 180 with glutamine.
Molecular consequence: missense variant.
Genome position (GRCh38, 1-based): chr1:36,473,570, T>G on the plus strand (A>C on the coding strand, the complement: CSF3R is on the minus strand). VCF-style: chr1-36473570-T-G. GRCh37 (hg19) VCF-style: chr1-36939171-T-G.
Other names: c.538A>C, p.Lys180Gln (NM_156039.3, NM_172313.3); short protein forms K180Q.
Identifiers: ClinVar variation 967455 (VCV000967455.9), dbSNP rs1557595050, ClinGen allele CA339423810.